The following is an entry in ClinVar:

ClinVar aggregate classification (germline): Uncertain significance. Review status: criteria provided, multiple submitters, no conflicts (2 of 4 stars). 3 submissions from 3 submitters: Uncertain significance (2). 1 of the submissions does not count toward it. Last evaluated 2024-08-11.

Conditions:
ARID1B-Related Disorder. Identifiers: MedGen CN381337.

gnomAD v4.1: 1 of 1,613,812 alleles (0.000062%); highest among the groups gnomAD compares: Admixed American, 0.0017%; no homozygotes.

Submissions (3):

Labcorp Genetics (formerly Invitae), Labcorp
Classification: Uncertain significance. Last evaluated: 2024-08-11. Review status: criteria provided, single submitter. Criteria: Invitae Variant Classification Sherloc (09022015). Collection method: clinical testing. Allele origin: germline.
Comment: This sequence change replaces alanine, which is neutral and non-polar, with glycine, which is neutral and non-polar, at codon 658 of the ARID1B protein (p.Ala658Gly). This variant is present in population databases (no rsID available, gnomAD 0.003%). This variant has not been reported in the literature in individuals affected with ARID1B-related conditions. ClinVar contains an entry for this variant (Variation ID: 1328517). Advanced modeling of protein sequence and biophysical properties (such as structural, functional, and spatial information, amino acid conservation, physicochemical variation, residue mobility, and thermodynamic stability) has been performed at Invitae for this missense variant, however the output from this modeling did not meet the statistical confidence thresholds required to predict the impact of this variant on ARID1B protein function. In summary, the available evidence is currently insufficient to determine the role of this variant in disease. Therefore, it has been classified as a Variant of Uncertain Significance.

Illumina Laboratory Services, Illumina
Classification: Uncertain significance for ARID1B-related disorder. Last evaluated: 2021-09-14. Review status: criteria provided, single submitter. Criteria: ICSLVariantClassificationCriteria RUGD 01 April 2020. Collection method: clinical testing. Allele origin: unknown.
Comment: The ARID1B c.1934C>G (p.Ala645Gly) variant is a missense variant. A literature search was performed for the gene, cDNA change, and amino acid change. No publications were found based on this search. This variant is reported at a frequency of 0.000029 in the Latino/Admixed American population of the Genome Aggregation Database (version 2.1.1), though this is based on one allele in a region of good sequence coverage so the variant is presumed to be rare. Based on the limited evidence, the p.Ala645Gly variant is classified as a variant of uncertain significance for ARID1B-related disorders.

PreventionGenetics, part of Exact Sciences
Classification: Uncertain significance for ARID1B-related condition. Last evaluated: 2024-08-09. Review status: no assertion criteria provided. Collection method: clinical testing. Allele origin: germline. Not counted in ClinVar's aggregate classification.
Comment: The ARID1B c.1973C>G variant is predicted to result in the amino acid substitution p.Ala658Gly. To our knowledge, this variant has not been reported in the literature. This variant is reported in 0.0029% of alleles in individuals of Latino descent in gnomAD. At this time, the clinical significance of this variant is uncertain due to the absence of conclusive functional and genetic evidence.

NM_001374828.1(ARID1B):c.2183C>G (p.Ala728Gly)

Gene: ARID1B (AT-rich interaction domain 1B; plus strand). Cytogenetic location: 6q25.3.
Variant type: single nucleotide variant.
Coding change: c.2183C>G on transcript NM_001374828.1 (MANE Select); coding-DNA position 2183, C replaced by G.
Protein change: p.Ala728Gly; replaces alanine 728 with glycine.
Molecular consequence: missense variant.
Genome position (GRCh38, 1-based): chr6:156,935,512, C>G. VCF-style: chr6-156935512-C-G. GRCh37 (hg19) VCF-style: chr6-157256646-C-G.
Other names: c.1973C>G (NM_020732.3); c.2222C>G, p.Ala741Gly (NM_001371656.1, NM_001374820.1); c.2183C>G, p.Ala728Gly (NM_017519.3); short protein forms A728G, A741G.
Identifiers: ClinVar variation 1328517 (VCV001328517.9), dbSNP rs376595068, ClinGen allele CA150821092.